The following is an entry in ClinVar:

ClinVar aggregate classification (germline): Likely benign. Review status: criteria provided, multiple submitters, no conflicts (2 of 4 stars). 2 submissions from 2 submitters: Likely benign (2). Last evaluated 2024-12-12.

Conditions:
Birt-Hogg-Dube syndrome. Also called: Birt Hogg Dubé syndrome. Identifiers: Orphanet 122, MedGen C0346010, MONDO:0800444.
Birt-Hogg-Dube syndrome 1 (BHD1). Also called: FIBROFOLLICULOMAS WITH TRICHODISCOMAS AND ACROCHORDONS. Identifiers: Orphanet 122, MedGen CN375946, MONDO:0800445, OMIM 135150.

Submissions (2):

Labcorp Genetics (formerly Invitae), Labcorp
Classification: Likely benign for Birt-Hogg-Dube syndrome. Last evaluated: 2024-12-12. Review status: criteria provided, single submitter. Criteria: Invitae Variant Classification Sherloc (09022015). Collection method: clinical testing. Allele origin: germline.

Myriad Genetics, Inc.
Classification: Likely benign for Birt-Hogg-Dube syndrome 1. Last evaluated: 2024-10-24. Review status: criteria provided, single submitter. Criteria: Myriad Autosomal Dominant, Autosomal Recessive and X-Linked Classification Criteria (2023). Collection method: clinical testing. Allele origin: unknown.
Comment: This variant is considered likely benign. This variant is intronic and is not expected to impact mRNA splicing.

NM_144997.7(FLCN):c.1301-18G>C

Gene: FLCN (folliculin; minus strand). Cytogenetic location: 17p11.2.
Variant type: single nucleotide variant.
Coding change: c.1301-18G>C on transcript NM_144997.7 (MANE Select); 18 bases into the intron before coding-DNA position 1301, G replaced by C.
Molecular consequence: intron variant.
Genome position (GRCh38, 1-based): chr17:17,215,334, C>G on the plus strand (G>C on the coding strand, the complement: FLCN is on the minus strand). VCF-style: chr17-17215334-C-G. GRCh37 (hg19) VCF-style: chr17-17118648-C-G.
Other names: c.1301-18G>C (NM_001353231.2, NM_001353230.2); c.1355-18G>C (NM_001353229.2).
Identifiers: ClinVar variation 1574342 (VCV001574342.9), dbSNP rs186967236, ClinGen allele CA625014896.